The following is an entry in ClinVar:

ClinVar aggregate classification (germline): Pathogenic (1 of 4 stars; one submission).

Conditions:
Propionic acidemia (PROP). Also called: GLYCINEMIA, KETOTIC; HYPERGLYCINEMIA WITH KETOACIDOSIS AND LEUKOPENIA; KETOTIC HYPERGLYCINEMIA. Identifiers: Orphanet 35, MedGen C0268579, MONDO:0011628, OMIM 606054, HP:0003571.

Submission:

Myriad Genetics, Inc.
Classification: Pathogenic for Propionic acidemia. Last evaluated: 2024-08-13. Review status: criteria provided, single submitter. Criteria: Myriad Autosomal Dominant, Autosomal Recessive and X-Linked Classification Criteria (2023). Collection method: clinical testing. Allele origin: unknown.
Comment: NM_000282.3(PCCA):c.548T>A(L183*) is expected to be pathogenic in the context of PCCA-related propionic acidemia. This variant is predicted to lead to an abnormal or absent protein product due to the creation of a premature termination codon in PCCA, a gene where loss-of-function variants are known to be pathogenic. Please note: this variant was assessed in the context of healthy population screening.

NM_000282.4(PCCA):c.548T>A (p.Leu183Ter)

Gene: PCCA (propionyl-CoA carboxylase subunit alpha; plus strand). Cytogenetic location: 13q32.3.
Variant type: single nucleotide variant.
Coding change: c.548T>A on transcript NM_000282.4 (MANE Select); coding-DNA position 548, T replaced by A.
Protein change: p.Leu183Ter; replaces leucine 183 with a stop codon.
Molecular consequence: nonsense. On other transcripts: 5 prime UTR variant (3), non-coding transcript variant (5).
Genome position (GRCh38, 1-based): chr13:100,209,411, T>A. VCF-style: chr13-100209411-T-A. GRCh37 (hg19) VCF-style: chr13-100861665-T-A.
Other names: c.470T>A, p.Leu157Ter (NM_001127692.3, NM_001352607.2, NM_001352608.2); c.548T>A, p.Leu183Ter (NM_001178004.2, NM_001352605.2, NM_001352606.2 and 1 more transcripts); c.-319T>A (NM_001352610.2, NM_001352611.2, NM_001352612.2); short protein forms L157*, L183*.
Identifiers: ClinVar variation 5013450 (VCV005013450.1).